The following is an entry in ClinVar:

NC_000014.8:g.(?_88416169)_(88459863_?)dup

Gene: GALC (galactosylceramidase; minus strand). Cytogenetic location: 14q31.3.
Variant type: Duplication.
Identifiers: ClinVar variation 1063983 (VCV001063983.2).

ClinVar aggregate classification (germline): Uncertain significance (1 of 4 stars; one submission).

Conditions:
Galactosylceramide beta-galactosidase deficiency. Also called: Krabbe Disease; Leukodystrophy, Globoid Cell; GALACTOCEREBROSIDASE DEFICIENCY; GALC DEFICIENCY; GLOBOID CELL LEUKOENCEPHALOPATHY. Identifiers: Orphanet 487, MedGen C0023521, MONDO:0009499, OMIM 245200.

Submission:

Labcorp Genetics (formerly Invitae), Labcorp
Classification: Uncertain significance for Galactosylceramide beta-galactosidase deficiency. Last evaluated: 2020-03-22. Review status: criteria provided, single submitter. Criteria: Invitae Variant Classification Sherloc (09022015). Collection method: clinical testing. Allele origin: germline.
Comment: This variant results in a copy number gain of the genomic region encompassing exons 1-12 of the GALC gene, which includes the initiator codon. The 5' end of this event is unknown as it extends beyond the assayed region for this gene and therefore may encompass additional genes. The 3' boundary is likely confined to intron 12 of the GALC gene. As the precise location of this event is unknown, it may be in tandem or it may be located elsewhere in the genome. This variant has not been reported in the literature in individuals with GALC-related conditions. In summary, the available evidence is currently insufficient to determine the role of this variant in disease. Therefore, it has been classified as a Variant of Uncertain Significance.